The following is an entry in ClinVar:

ClinVar aggregate classification (germline): Uncertain significance (1 of 4 stars; one submission).

gnomAD v4.1: 2 of 1,613,104 alleles (0.00012%); highest among the groups gnomAD compares: Non-Finnish European, 0.00017%; no homozygotes.

Submission:

Labcorp Genetics (formerly Invitae), Labcorp
Classification: Uncertain significance. Last evaluated: 2021-08-27. Review status: criteria provided, single submitter. Criteria: Invitae Variant Classification Sherloc (09022015). Collection method: clinical testing. Allele origin: germline.
Comment: This sequence change replaces arginine with leucine at codon 698 of the EIF2AK3 protein (p.Arg698Leu). The arginine residue is moderately conserved and there is a moderate physicochemical difference between arginine and leucine. This variant is present in population databases (rs780592115, ExAC 0.002%). This variant has not been reported in the literature in individuals affected with EIF2AK3-related conditions. Algorithms developed to predict the effect of missense changes on protein structure and function are either unavailable or do not agree on the potential impact of this missense change (SIFT: "Deleterious"; PolyPhen-2: "Benign"; Align-GVGD: "Class C0"). In summary, the available evidence is currently insufficient to determine the role of this variant in disease. Therefore, it has been classified as a Variant of Uncertain Significance.

NM_004836.7(EIF2AK3):c.2093G>T (p.Arg698Leu)

Genes: EIF2AK3 (eukaryotic translation initiation factor 2 alpha kinase 3; minus strand), EIF2AK3-AS1 (EIF2AK3 antisense RNA 1; plus strand). Cytogenetic location: 2p11.2.
Variant type: single nucleotide variant.
Coding change: c.2093G>T on transcript NM_004836.7 (MANE Select); coding-DNA position 2093, G replaced by T.
Protein change: p.Arg698Leu; replaces arginine 698 with leucine.
Molecular consequence: missense variant. On other transcripts: non-coding transcript variant (1).
Genome position (GRCh38, 1-based): chr2:88,575,390, C>A on the plus strand (G>T on the coding strand, the complement: EIF2AK3 is on the minus strand). VCF-style: chr2-88575390-C-A. GRCh37 (hg19) VCF-style: chr2-88874908-C-A.
Other names: c.1640G>T, p.Arg547Leu (NM_001313915.2); short protein forms R547L, R698L.
Identifiers: ClinVar variation 1360338 (VCV001360338.5), dbSNP rs780592115, ClinGen allele CA1754509.